The following is an entry in ClinVar:

ClinVar aggregate classification (germline): Likely benign (0 of 4 stars; one submission).

Conditions:
SREBF2-related disorder. Also called: SREBF2-related condiiton.

Allele frequency attached by ClinVar (database versions not stated): ESP Exome Variant Server 0.00038; TOPMed 0.00039; gnomAD 0.00045; ExAC 0.00027; gnomAD exomes 0.00037.
gnomAD v4.1: 606 of 1,614,208 alleles (0.038%); highest among the groups gnomAD compares: Admixed American, 0.082%; 1 homozygote.

Submission:

PreventionGenetics, part of Exact Sciences
Classification: Likely benign for SREBF2-related condition. Last evaluated: 2019-09-10. Review status: no assertion criteria provided. Collection method: clinical testing. Allele origin: germline.
Comment: This variant is classified as likely benign based on ACMG/AMP sequence variant interpretation guidelines (Richards et al. 2015 PMID: 25741868, with internal and published modifications).

NM_004599.4(SREBF2):c.2160T>C (p.Ala720=)

Gene: SREBF2 (sterol regulatory element binding transcription factor 2; plus strand). Cytogenetic location: 22q13.2.
Variant type: single nucleotide variant.
Coding change: c.2160T>C on transcript NM_004599.4 (MANE Select); coding-DNA position 2160, T replaced by C.
Protein change: p.Ala720=; no amino-acid change (alanine 720 retained).
Molecular consequence: synonymous variant. On other transcripts: non-coding transcript variant (1).
Genome position (GRCh38, 1-based): chr22:41,884,963, T>C. VCF-style: chr22-41884963-T-C. GRCh37 (hg19) VCF-style: chr22-42280967-T-C.
Identifiers: ClinVar variation 3040992 (VCV003040992.2), dbSNP rs374234598, ClinGen allele CA10261860.